The following is an entry in ClinVar:

NM_153240.5(NPHP3):c.3601G>A (p.Glu1201Lys)

Genes: NPHP3 (nephrocystin 3; minus strand), NPHP3-ACAD11 (NPHP3-ACAD11 readthrough (NMD candidate); minus strand). Cytogenetic location: 3q22.1.
Variant type: single nucleotide variant.
Coding change: c.3601G>A on transcript NM_153240.5 (MANE Select); coding-DNA position 3601, G replaced by A.
Protein change: p.Glu1201Lys; replaces glutamic acid 1201 with lysine.
Molecular consequence: missense variant. On other transcripts: non-coding transcript variant (1).
Genome position (GRCh38, 1-based): chr3:132,683,494, C>T on the plus strand (G>A on the coding strand, the complement: NPHP3 is on the minus strand). VCF-style: chr3-132683494-C-T. GRCh37 (hg19) VCF-style: chr3-132402338-C-T.
Other names: short protein forms E1201K.
Identifiers: ClinVar variation 1392407 (VCV001392407.6), dbSNP rs529119466, ClinGen allele CA83581196.
Genomic context (GRCh38, chr3:132,683,494, plus strand): 5'-CAGTAGCTACACTAGGGTGCTTTGGGCCAAAAGATTTCTGTCGAATTTCAACAGCCAATT[C>T]ATACAAAGGTACAGCTTTGTCAAGTTTCCCCTAAAAAACAAGAGTTAAATCTAACAAAAA-3'
Protein context (NP_694972.3, residues 1191-1211): GKLDKAVPLY[Glu1201Lys]LAVEIRQKSF

ClinVar aggregate classification (germline): Uncertain significance (1 of 4 stars; one submission).

Conditions:
Nephronophthisis. Also called: Juvenile Nephronophthisis. Identifiers: Orphanet 655, MedGen C0687120, MONDO:0019005, HP:0000090.

Allele frequency attached by ClinVar (database versions not stated): TOPMed 0.00003; gnomAD 0.00004; 1000 Genomes Project 30x 0.00016; 1000 Genomes Project 0.00020.
gnomAD v4.1: 6 of 1,613,008 alleles (0.00037%); highest among the groups gnomAD compares: African/African-American, 0.008%; no homozygotes.

Submission:

Labcorp Genetics (formerly Invitae), Labcorp
Classification: Uncertain significance for Nephronophthisis. Last evaluated: 2022-09-06. Review status: criteria provided, single submitter. Criteria: Invitae Variant Classification Sherloc (09022015). Collection method: clinical testing. Allele origin: germline.
Comment: This sequence change replaces glutamic acid, which is acidic and polar, with lysine, which is basic and polar, at codon 1201 of the NPHP3 protein (p.Glu1201Lys). This variant is not present in population databases (gnomAD no frequency). This variant has not been reported in the literature in individuals affected with NPHP3-related conditions. ClinVar contains an entry for this variant (Variation ID: 1392407). Algorithms developed to predict the effect of missense changes on protein structure and function (SIFT, PolyPhen-2, Align-GVGD) all suggest that this variant is likely to be tolerated. In summary, the available evidence is currently insufficient to determine the role of this variant in disease. Therefore, it has been classified as a Variant of Uncertain Significance.